The following is an entry in ClinVar:

NM_000156.6(GAMT):c.-8C>G

Genes: GAMT (guanidinoacetate N-methyltransferase; minus strand), LOC130062945 (ATAC-STARR-seq lymphoblastoid silent region 9707; plus strand). Cytogenetic location: 19p13.3.
Variant type: single nucleotide variant.
Coding change: c.-8C>G on transcript NM_000156.6 (MANE Select); 8 bases upstream of the start codon, C replaced by G.
Molecular consequence: 5 prime UTR variant.
Genome position (GRCh38, 1-based): chr19:1,401,484, G>C on the plus strand (C>G on the coding strand, the complement: GAMT is on the minus strand). VCF-style: chr19-1401484-G-C. GRCh37 (hg19) VCF-style: chr19-1401483-G-C.
Other names: c.-8C>G (NM_138924.3).
Identifiers: ClinVar variation 518184 (VCV000518184.1), dbSNP rs1555777388, ClinGen allele CA658799100.

ClinVar aggregate classification (germline): Likely benign (1 of 4 stars; one submission).

gnomAD v4.1: 1 of 1,316,862 alleles (0.000076%); highest among the groups gnomAD compares: Non-Finnish European, 0.000097%; no homozygotes.

Submission:

GeneDx
Classification: Likely benign. Last evaluated: 2017-06-27. Review status: criteria provided, single submitter. Criteria: GeneDx Variant Classification (06012015). Collection method: clinical testing. Allele origin: germline. Affected: yes.
Comment: This variant is considered likely benign or benign based on one or more of the following criteria: it is a conservative change, it occurs at a poorly conserved position in the protein, it is predicted to be benign by multiple in silico algorithms, and/or has population frequency not consistent with disease.